The following is an entry in ClinVar:

ClinVar aggregate classification (germline): Uncertain significance. Review status: criteria provided, multiple submitters, no conflicts (2 of 4 stars). 2 submissions from 2 submitters: Uncertain significance (2). Last evaluated 2025-10-22.

Conditions:
Inborn genetic diseases. Identifiers: MedGen C0950123, MeSH D030342.
Sulfite oxidase deficiency due to molybdenum cofactor deficiency type A. Also called: Molybdenum cofactor deficiency, complementation group A; Molybdenum Cofactor Deficiency A. Identifiers: Orphanet 308386, Orphanet 833, MedGen C1854988, MONDO:0009643, OMIM 252150.

Allele frequency attached by ClinVar (database versions not stated): ExAC 0.00001; gnomAD 0.00001; TOPMed 0.00001; gnomAD exomes 0.00003; ESP Exome Variant Server 0.00008.
gnomAD v4.1: 45 of 1,613,130 alleles (0.0028%); highest among the groups gnomAD compares: Non-Finnish European, 0.0037%; no homozygotes.

Submissions (2):

Ambry Genetics
Classification: Uncertain significance for Inborn genetic diseases. Last evaluated: 2025-10-22. Review status: criteria provided, single submitter. Criteria: Ambry Variant Classification Scheme 2023. Collection method: clinical testing. Allele origin: germline.

Labcorp Genetics (formerly Invitae), Labcorp
Classification: Uncertain significance for Sulfite oxidase deficiency due to molybdenum cofactor deficiency type A. Last evaluated: 2024-10-15. Review status: criteria provided, single submitter. Criteria: Invitae Variant Classification Sherloc (09022015). Collection method: clinical testing. Allele origin: germline.
Comment: This sequence change replaces histidine, which is basic and polar, with arginine, which is basic and polar, at codon 366 of the MOCS1 protein (p.His366Arg). This variant is present in population databases (rs371595641, gnomAD 0.007%). This variant has not been reported in the literature in individuals affected with MOCS1-related conditions. ClinVar contains an entry for this variant (Variation ID: 2155020). An algorithm developed to predict the effect of missense changes on protein structure and function (PolyPhen-2) suggests that this variant is likely to be disruptive. In summary, the available evidence is currently insufficient to determine the role of this variant in disease. Therefore, it has been classified as a Variant of Uncertain Significance.

NM_001358530.2(MOCS1):c.1097A>G (p.His366Arg)

Gene: MOCS1 (molybdenum cofactor synthesis 1; minus strand). Cytogenetic location: 6p21.2.
Variant type: single nucleotide variant.
Coding change: c.1097A>G on transcript NM_001358530.2 (MANE Select); coding-DNA position 1097, A replaced by G.
Protein change: p.His366Arg; replaces histidine 366 with arginine.
Molecular consequence: missense variant. On other transcripts: non-coding transcript variant (1).
Genome position (GRCh38, 1-based): chr6:39,909,840, T>C on the plus strand (A>G on the coding strand, the complement: MOCS1 is on the minus strand). VCF-style: chr6-39909840-T-C. GRCh37 (hg19) VCF-style: chr6-39877584-T-C.
Other names: c.1097A>G (NM_005943.5); c.1097A>G, p.His366Arg (NM_001075098.4, NM_001358529.2, NM_005943.6); c.836A>G, p.His279Arg (NM_001358531.2, NM_001358533.2, NM_001358534.2); short protein forms H279R, H366R.
Identifiers: ClinVar variation 2155020 (VCV002155020.4), dbSNP rs371595641, ClinGen allele CA3796058.